The following is an entry in ClinVar:

NM_000245.4(MET):c.3597del (p.Lys1199fs)

Gene: MET (MET proto-oncogene, receptor tyrosine kinase; plus strand). Cytogenetic location: 7q31.2.
Variant type: Deletion.
Coding change: c.3597del on transcript NM_000245.4 (MANE Select); coding-DNA position 3597, one base deleted (G; older notation c.3597delG).
Protein change: p.Lys1199fs; shifts the reading frame from lysine 1199.
Molecular consequence: frameshift variant.
Genome position (GRCh38, 1-based): chr7:116,782,062, G deleted. VCF-style (leftmost placement, unchanged base first): chr7-116782061-AG-A. GRCh37 (hg19) VCF-style: chr7-116422115-AG-A.
Other names: c.3651del, p.Lys1217fs (NM_001127500.3); c.2307del, p.Lys769fs (NM_001324402.2); short protein forms K1199fs, K1217fs, K769fs.
Identifiers: ClinVar variation 4798707 (VCV004798707.1).

ClinVar aggregate classification (germline): Uncertain significance (1 of 4 stars; one submission).

Conditions:
Renal cell carcinoma. Identifiers: Orphanet 217071, MedGen C0007134, MeSH D002292, MONDO:0005086, HP:0005584.

Submission:

Labcorp Genetics (formerly Invitae), Labcorp
Classification: Uncertain significance for Renal cell carcinoma. Last evaluated: 2025-12-17. Review status: criteria provided, single submitter. Criteria: Invitae Variant Classification Sherloc (09022015). Collection method: clinical testing. Allele origin: germline.
Comment: This sequence change creates a premature translational stop signal (p.Lys1217Asnfs*49) in the MET gene. It is expected to result in an absent or disrupted protein product. However, the current clinical and genetic evidence is not sufficient to establish whether loss-of-function variants in MET cause disease. This variant is not present in population databases (gnomAD no frequency). This variant has not been reported in the literature in individuals affected with MET-related conditions. In summary, the available evidence is currently insufficient to determine the role of this variant in disease. Therefore, it has been classified as a Variant of Uncertain Significance.